The following is an entry in ClinVar:

NM_002386.3(MC1R):c.-1092G>A

Gene: MC1R (melanocortin 1 receptor; plus strand). Cytogenetic location: 16q24.3.
Variant type: single nucleotide variant.
Coding change: c.-1092G>A on transcript NM_002386.3; 1092 bases upstream of the start codon, G replaced by A.
Genome position (GRCh38, 1-based): chr16:89,918,167, G>A. VCF-style: chr16-89918167-G-A. GRCh37 (hg19) VCF-style: chr16-89984575-G-A.
Identifiers: ClinVar variation 887813 (VCV000887813.6), dbSNP rs58664942, ClinGen allele CA286606951.

ClinVar aggregate classification (germline): Benign (1 of 4 stars; one submission).

Conditions:
Melanoma, cutaneous malignant, susceptibility to, 5. Also called: Cutaneous malignant melanoma 5. Identifiers: Orphanet 618, MedGen C2751295, MONDO:0013133, OMIM 613099.

Allele frequency attached by ClinVar (database versions not stated): gnomAD 0.00476 and 0.00514; 1000 Genomes Project 0.00539; 1000 Genomes Project 30x 0.00515; gnomAD exomes 0.00087; TOPMed 0.00524.

Submission:

Illumina Laboratory Services, Illumina
Classification: Benign for Melanoma, cutaneous malignant, susceptibility to, 5. Last evaluated: 2018-01-13. Review status: criteria provided, single submitter. Criteria: ICSL Variant Classification Criteria 13 December 2019. Collection method: clinical testing. Allele origin: germline.
Comment: This variant was observed in the ICSL laboratory as part of a predisposition screen in an ostensibly healthy population. It had not been previously curated by ICSL or reported in the Human Gene Mutation Database (HGMD: prior to June 1st, 2018), and was therefore a candidate for classification through an automated scoring system. Utilizing variant allele frequency, disease prevalence and penetrance estimates, and inheritance mode, an automated score was calculated to assess if this variant is too frequent to cause the disease. Based on the score and internal cut-off values, a variant classified as benign is not then subjected to further curation. The score for this variant resulted in a classification of benign for this disease.